The following is an entry in ClinVar:

ClinVar aggregate classification (germline): Uncertain significance (1 of 4 stars; one submission).

Submission:

GeneDx
Classification: Uncertain significance. Last evaluated: 2026-02-26. Review status: criteria provided, single submitter. Criteria: GeneDx Variant Classification Process June 2021. Collection method: clinical testing. Allele origin: germline.
Comment: Not observed at significant frequency in large population cohorts (gnomAD); In silico analysis supports that this missense variant has a deleterious effect on protein structure/function; Has not been previously published as pathogenic or benign to our knowledge

NM_014423.4(AFF4):c.2851G>A (p.Glu951Lys)

Gene: AFF4 (ALF transcription elongation factor 4; minus strand). Cytogenetic location: 5q31.1.
Variant type: single nucleotide variant.
Coding change: c.2851G>A on transcript NM_014423.4 (MANE Select); coding-DNA position 2851, G replaced by A.
Protein change: p.Glu951Lys; replaces glutamic acid 951 with lysine.
Molecular consequence: missense variant.
Genome position (GRCh38, 1-based): chr5:132,887,928, C>T on the plus strand (G>A on the coding strand, the complement: AFF4 is on the minus strand). VCF-style: chr5-132887928-C-T. GRCh37 (hg19) VCF-style: chr5-132223620-C-T.
Other names: short protein forms E951K.
Identifiers: ClinVar variation 5007933 (VCV005007933.1).